The following is an entry in ClinVar:

NM_006904.7(PRKDC):c.4135C>G (p.Pro1379Ala)

Gene: PRKDC (protein kinase, DNA-activated, catalytic subunit; minus strand). Cytogenetic location: 8q11.21.
Variant type: single nucleotide variant.
Coding change: c.4135C>G on transcript NM_006904.7 (MANE Select); coding-DNA position 4135, C replaced by G.
Protein change: p.Pro1379Ala; replaces proline 1379 with alanine.
Molecular consequence: missense variant.
Genome position (GRCh38, 1-based): chr8:47,889,159, G>C on the plus strand (C>G on the coding strand, the complement: PRKDC is on the minus strand). VCF-style: chr8-47889159-G-C. GRCh37 (hg19) VCF-style: chr8-48801720-G-C.
Other names: c.4135C>G, p.Pro1379Ala (NM_001081640.2); short protein forms P1379A.
Identifiers: ClinVar variation 1738112 (VCV001738112.2), dbSNP rs2089401179, ClinGen allele CA371146886.

ClinVar aggregate classification (germline): Uncertain significance (1 of 4 stars; one submission).

Submission:

Ambry Genetics
Classification: Uncertain significance. Last evaluated: 2021-09-29. Review status: criteria provided, single submitter. Criteria: Ambry Variant Classification Scheme 2023. Collection method: clinical testing. Allele origin: germline.
Comment: The p.P1379A variant (also known as c.4135C>G), located in coding exon 33 of the PRKDC gene, results from a C to G substitution at nucleotide position 4135. The proline at codon 1379 is replaced by alanine, an amino acid with highly similar properties. This amino acid position is conserved. In addition, this alteration is predicted to be deleterious by in silico analysis. Since supporting evidence is limited at this time, the clinical significance of this alteration remains unclear.